The following is an entry in ClinVar:

ClinVar aggregate classification (germline): Uncertain significance (1 of 4 stars; one submission).

Conditions:
Inborn genetic diseases. Identifiers: MedGen C0950123, MeSH D030342.

gnomAD v4.1: 2 of 1,593,586 alleles (0.00013%); highest among the groups gnomAD compares: Non-Finnish European, 0.00017%; no homozygotes.

Submission:

Ambry Genetics
Classification: Uncertain significance for Inborn genetic diseases. Last evaluated: 2025-09-18. Review status: criteria provided, single submitter. Criteria: Ambry Variant Classification Scheme 2023. Collection method: clinical testing. Allele origin: germline.
Comment: The p.R28Q variant (also known as c.83G>A), located in coding exon 1 of the SLC17A5 gene, results from a G to A substitution at nucleotide position 83. The arginine at codon 28 is replaced by glutamine, an amino acid with highly similar properties. This amino acid position is conserved. In addition, this alteration is predicted to be tolerated by in silico analysis. Based on the available evidence, the clinical significance of this variant remains unclear.

NM_012434.5(SLC17A5):c.83G>A (p.Arg28Gln)

Genes: SLC17A5 (solute carrier family 17 member 5; minus strand), LOC129996727 (ATAC-STARR-seq lymphoblastoid silent region 17338; plus strand). Cytogenetic location: 6q13.
Variant type: single nucleotide variant.
Coding change: c.83G>A on transcript NM_012434.5 (MANE Select); coding-DNA position 83, G replaced by A.
Protein change: p.Arg28Gln; replaces arginine 28 with glutamine.
Molecular consequence: missense variant.
Genome position (GRCh38, 1-based): chr6:73,653,804, C>T on the plus strand (G>A on the coding strand, the complement: SLC17A5 is on the minus strand). VCF-style: chr6-73653804-C-T. GRCh37 (hg19) VCF-style: chr6-74363527-C-T.
Other names: c.49G>A, p.Gly17Arg (NM_001382629.1, NM_001382636.1); c.83G>A, p.Arg28Gln (NM_001382630.1, NM_001382631.1, NM_001382632.1 and 3 more transcripts); short protein forms G17R, R28Q.
Identifiers: ClinVar variation 4631016 (VCV004631016.1).